The following is an entry in ClinVar:

ClinVar aggregate classification (germline): Likely benign. Review status: criteria provided, multiple submitters, no conflicts (2 of 4 stars). 3 submissions from 3 submitters: Likely benign (3). Last evaluated 2026-01-28.

Conditions:
Methylcobalamin deficiency type cblG (HMAG). Also called: HOMOCYSTINURIA-MEGALOBLASTIC ANEMIA, cblG COMPLEMENTATION TYPE; HOMOCYSTINURIA-MEGALOBLASTIC ANEMIA, cblG TYPE; HOMOCYSTINURIA-MEGALOBLASTIC ANEMIA DUE TO DEFECT IN COBALAMIN METABOLISM, cblG COMPLEMENTATION TYPE; Functional methionine synthase deficiency type cblG. Identifiers: Orphanet 2170, Orphanet 622, MedGen C1855128, MONDO:0009609, OMIM 250940.

Allele frequency attached by ClinVar (database versions not stated): ExAC 0.00007; gnomAD 0.00007; ESP Exome Variant Server 0.00008; TOPMed 0.00008; gnomAD exomes 0.00010.
gnomAD v4.1: 170 of 1,613,872 alleles (0.011%); highest among the groups gnomAD compares: Non-Finnish European, 0.014%; no homozygotes.

Submissions (3):

Labcorp Genetics (formerly Invitae), Labcorp
Classification: Likely benign for Methylcobalamin deficiency type cblG. Last evaluated: 2026-01-28. Review status: criteria provided, single submitter. Criteria: Invitae Variant Classification Sherloc (09022015). Collection method: clinical testing. Allele origin: germline.

CeGaT Center for Human Genetics Tuebingen
Classification: Likely benign. Last evaluated: 2022-04-01. Review status: criteria provided, single submitter. Criteria: CeGaT Center For Human Genetics Tuebingen Variant Classification Criteria Version 2. Collection method: clinical testing. Allele origin: germline. Affected: yes. Observed: 1 variant allele.
Comment: MTR: BP4, BP7

Blueprint Genetics
Classification: Likely benign. Last evaluated: 2021-09-09. Review status: criteria provided, single submitter. Criteria: ACMG Guidelines, 2015. Collection method: clinical testing. Allele origin: germline.

NM_000254.3(MTR):c.558C>T (p.Gly186=)

Gene: MTR (5-methyltetrahydrofolate-homocysteine methyltransferase; plus strand). Cytogenetic location: 1q43.
Variant type: single nucleotide variant.
Coding change: c.558C>T on transcript NM_000254.3 (MANE Select); coding-DNA position 558, C replaced by T.
Protein change: p.Gly186=; no amino-acid change (glycine 186 retained).
Molecular consequence: synonymous variant. On other transcripts: 5 prime UTR variant (1).
Genome position (GRCh38, 1-based): chr1:236,812,793, C>T. VCF-style: chr1-236812793-C-T. GRCh37 (hg19) VCF-style: chr1-236976093-C-T.
Other names: c.558C>T, p.Gly186= (NM_001291939.1); c.-551C>T (NM_001291940.2).
Identifiers: ClinVar variation 1592302 (VCV001592302.33), dbSNP rs139019399, ClinGen allele CA1473773.